The following is an entry in ClinVar:

ClinVar aggregate classification (germline): Likely benign (1 of 4 stars; one submission).

Allele frequency attached by ClinVar (database versions not stated): TOPMed 0.00003; gnomAD 0.00004; gnomAD exomes 0.00004; ExAC 0.00012.

Submission:

CeGaT Center for Human Genetics Tuebingen
Classification: Likely benign. Last evaluated: 2023-03-01. Review status: criteria provided, single submitter. Criteria: CeGaT Center For Human Genetics Tuebingen Variant Classification Criteria Version 2. Collection method: clinical testing. Allele origin: germline. Affected: yes. Observed: 1 variant allele.
Comment: TRO: BP4, BS2

NM_001039705.3(TRO):c.2624C>T (p.Thr875Met)

Gene: TRO (trophinin; plus strand). Cytogenetic location: Xp11.21.
Variant type: single nucleotide variant.
Coding change: c.2624C>T on transcript NM_001039705.3 (MANE Select); coding-DNA position 2624, C replaced by T.
Protein change: p.Thr875Met; replaces threonine 875 with methionine.
Molecular consequence: missense variant. On other transcripts: intron variant (3).
Genome position (GRCh38, 1-based): chrX:54,929,348, C>T. VCF-style: chrX-54929348-C-T. GRCh37 (hg19) VCF-style: chrX-54955781-C-T.
Other names: c.1217C>T, p.Thr406Met (NM_001271183.2); c.1433C>T, p.Thr478Met (NM_001271184.2); c.1986+638C>T (NM_016157.4, NM_177556.3); c.795+638C>T (NM_177557.3); short protein forms T406M, T478M, T875M.
Identifiers: ClinVar variation 2660681 (VCV002660681.24), dbSNP rs748992156, ClinGen allele CA10427340.